The following is an entry in ClinVar:

NM_018834.6(MATR3):c.277G>A (p.Gly93Ser)

Gene: MATR3 (matrin 3; plus strand). Cytogenetic location: 5q31.2.
Variant type: single nucleotide variant.
Coding change: c.277G>A on transcript NM_018834.6 (MANE Select); coding-DNA position 277, G replaced by A.
Protein change: p.Gly93Ser; replaces glycine 93 with serine.
Molecular consequence: missense variant. On other transcripts: intron variant (11).
Genome position (GRCh38, 1-based): chr5:139,307,692, G>A. VCF-style: chr5-139307692-G-A. GRCh37 (hg19) VCF-style: chr5-138643381-G-A.
Other names: c.277G>A, p.Gly93Ser (NM_001194954.2, NM_001194955.2, NM_001400441.1 and 16 more transcripts); c.52-6983G>A (NM_001400459.1); c.-102-6983G>A (NM_001400463.1, NM_001400460.1, NM_001282278.2 and 3 more transcripts); c.-40-8005G>A (NM_001400462.1, NM_001400467.1); c.13-6983G>A (NM_001400461.1); c.49-6983G>A (NM_001194956.2); short protein forms G93S.
Identifiers: ClinVar variation 3666765 (VCV003666765.2).

ClinVar aggregate classification (germline): Uncertain significance (1 of 4 stars; one submission).

Conditions:
Amyotrophic lateral sclerosis type 21. Also called: VOCAL CORD AND PHARYNGEAL DYSFUNCTION WITH DISTAL MYOPATHY; MYOPATHY, DISTAL, 2. Identifiers: Orphanet 600, Orphanet 803, MedGen C3807521, MONDO:0011632, OMIM 606070.

gnomAD v4.1: 1 of 1,614,108 alleles (0.000062%); highest among the groups gnomAD compares: Non-Finnish European, 0.000085%; no homozygotes.

Submission:

Labcorp Genetics (formerly Invitae), Labcorp
Classification: Uncertain significance for Amyotrophic lateral sclerosis type 21. Last evaluated: 2024-12-04. Review status: criteria provided, single submitter. Criteria: Invitae Variant Classification Sherloc (09022015). Collection method: clinical testing. Allele origin: germline.
Comment: This sequence change replaces glycine, which is neutral and non-polar, with serine, which is neutral and polar, at codon 93 of the MATR3 protein (p.Gly93Ser). This variant is not present in population databases (gnomAD no frequency). This variant has not been reported in the literature in individuals affected with MATR3-related conditions. Invitae Evidence Modeling of protein sequence and biophysical properties (such as structural, functional, and spatial information, amino acid conservation, physicochemical variation, residue mobility, and thermodynamic stability) indicates that this missense variant is not expected to disrupt MATR3 protein function with a negative predictive value of 80%. In summary, the available evidence is currently insufficient to determine the role of this variant in disease. Therefore, it has been classified as a Variant of Uncertain Significance.